The following is an entry in ClinVar:

NM_000138.5(FBN1):c.2577T>C (p.Asp859=)

Gene: FBN1 (fibrillin 1; minus strand). Cytogenetic location: 15q21.1.
Variant type: single nucleotide variant.
Coding change: c.2577T>C on transcript NM_000138.5 (MANE Select); coding-DNA position 2577, T replaced by C.
Protein change: p.Asp859=; no amino-acid change (aspartic acid 859 retained).
Molecular consequence: synonymous variant.
Genome position (GRCh38, 1-based): chr15:48,495,223, A>G on the plus strand (T>C on the coding strand, the complement: FBN1 is on the minus strand). VCF-style: chr15-48495223-A-G. GRCh37 (hg19) VCF-style: chr15-48787420-A-G.
Identifiers: ClinVar variation 1531270 (VCV001531270.12), dbSNP rs779997664, ClinGen allele CA048099.
Genomic context (GRCh38, chr15:48,495,223, plus strand): 5'-GAGGGAGGAGCAGCACTGGGACTTTAAGGTGGCTCCATTGATGTTGATCTCACATCGCCC[A>G]TCAATGACAGTCTGCCAGCAAGTGCCCTTGATGGTTTCTGCAGAGGAGGGAATAATATTT-3'
Protein context (NP_000129.3, residues 849-869): IKGTCWQTVI[Asp859=]GRCEININGA

ClinVar aggregate classification (germline): Likely benign. Review status: criteria provided, multiple submitters, no conflicts (2 of 4 stars). 3 submissions from 3 submitters: Likely benign (3). Last evaluated 2025-06-10.

Conditions:
Marfan syndrome (MFS). Also called: MARFAN SYNDROME, TYPE I; Marfan syndrome type 1; Marfan's syndrome; Marfan syndrome, classic; FBN1-Related Marfan Syndrome. Identifiers: Orphanet 284963, Orphanet 558, MedGen C0024796, MONDO:0007947, OMIM 154700.
Familial thoracic aortic aneurysm and aortic dissection (TAAD). Also called: Thoracic aortic aneurysms and dissections. Identifiers: Orphanet 91387, MedGen C4707243, MONDO:0019625.

Allele frequency attached by ClinVar (database versions not stated): ExAC 0.00001; gnomAD 0.00001; gnomAD exomes 0.00001 and below 0.00001; TOPMed 0.00001.
gnomAD v4.1: 3 of 1,614,086 alleles (0.00019%); highest among the groups gnomAD compares: African/African-American, 0.0013%; no homozygotes.

Submissions (3):

Labcorp Genetics (formerly Invitae), Labcorp
Classification: Likely benign for Marfan syndrome; Familial thoracic aortic aneurysm and aortic dissection. Last evaluated: 2025-06-10. Review status: criteria provided, single submitter. Criteria: Invitae Variant Classification Sherloc (09022015). Collection method: clinical testing. Allele origin: germline.

All of Us Research Program, National Institutes of Health
Classification: Likely benign for Marfan syndrome. Last evaluated: 2024-07-29. Review status: criteria provided, single submitter. Criteria: ACMG Guidelines, 2015. Collection method: clinical testing. Allele origin: germline. Inheritance: Autosomal dominant inheritance. Observed: 2 variant alleles, 2 heterozygotes.
Comment: This study involves interpretation of variants in research participants for the purpose of population health screening. Participant phenotype was not available at the time of variant classification. Additional details can be found in publication PMID: 35346344, PMCID: PMC8962531

Ambry Genetics
Classification: Likely benign for Familial thoracic aortic aneurysm and aortic dissection. Last evaluated: 2022-07-27. Review status: criteria provided, single submitter. Criteria: Ambry Variant Classification Scheme 2023. Collection method: clinical testing. Allele origin: germline.